The following is an entry in ClinVar:

ClinVar aggregate classification (germline): Conflicting classifications of pathogenicity. Review status: criteria provided, conflicting classifications (1 of 4 stars). 2 submissions from 2 submitters: Uncertain significance (1); Likely benign (1). Last evaluated 2024-10-29.

Conditions:
Nephronophthisis. Also called: Juvenile Nephronophthisis. Identifiers: Orphanet 655, MedGen C0687120, MONDO:0019005, HP:0000090.

Allele frequency attached by ClinVar (database versions not stated): gnomAD exomes below 0.00001; TOPMed 0.00002; gnomAD 0.00003 and 0.00004.
gnomAD v4.1: 6 of 1,540,578 alleles (0.00039%); highest among the groups gnomAD compares: African/African-American, 0.0082%; no homozygotes.

Submissions (2):

Labcorp Genetics (formerly Invitae), Labcorp
Classification: Uncertain significance for Nephronophthisis. Last evaluated: 2024-10-29. Review status: criteria provided, single submitter. Criteria: Invitae Variant Classification Sherloc (09022015). Collection method: clinical testing. Allele origin: germline.
Comment: This sequence change falls in intron 1 of the NPHP3 gene. It does not directly change the encoded amino acid sequence of the NPHP3 protein. This variant is present in population databases (no rsID available, gnomAD 0.009%). This variant has not been reported in the literature in individuals affected with NPHP3-related conditions. ClinVar contains an entry for this variant (Variation ID: 262712). Algorithms developed to predict the effect of sequence changes on RNA splicing suggest that this variant may disrupt the consensus splice site. In summary, the available evidence is currently insufficient to determine the role of this variant in disease. Therefore, it has been classified as a Variant of Uncertain Significance.

PreventionGenetics, part of Exact Sciences
Classification: Likely benign. Review status: criteria provided, single submitter. Criteria: ACMG Guidelines, 2015. Collection method: clinical testing. Allele origin: germline.

NM_153240.5(NPHP3):c.394-18C>G

Genes: NPHP3 (nephrocystin 3; minus strand), NPHP3-ACAD11 (NPHP3-ACAD11 readthrough (NMD candidate); minus strand). Cytogenetic location: 3q22.1.
Variant type: single nucleotide variant.
Coding change: c.394-18C>G on transcript NM_153240.5 (MANE Select); 18 bases into the intron before coding-DNA position 394, C replaced by G.
Molecular consequence: intron variant.
Genome position (GRCh38, 1-based): chr3:132,719,848, G>C on the plus strand (C>G on the coding strand, the complement: NPHP3 is on the minus strand). VCF-style: chr3-132719848-G-C. GRCh37 (hg19) VCF-style: chr3-132438692-G-C.
Identifiers: ClinVar variation 262712 (VCV000262712.5), dbSNP rs886038737, ClinGen allele CA10586849.